The following is an entry in ClinVar:

NM_000059.4(BRCA2):c.3002C>G (p.Ser1001Ter)

Gene: BRCA2 (BRCA2 DNA repair associated; plus strand). Cytogenetic location: 13q13.1.
Variant type: single nucleotide variant.
Coding change: c.3002C>G on transcript NM_000059.4 (MANE Select); coding-DNA position 3002, C replaced by G.
Protein change: p.Ser1001Ter; replaces serine 1001 with a stop codon.
Molecular consequence: nonsense.
Genome position (GRCh38, 1-based): chr13:32,337,357, C>G. VCF-style: chr13-32337357-C-G. GRCh37 (hg19) VCF-style: chr13-32911494-C-G.
Other names: short protein forms S1001*.
Identifiers: ClinVar variation 531398 (VCV000531398.13), dbSNP rs1555283001, ClinGen allele CA387774682.
Genomic context (GRCh38, chr13:32,337,357, plus strand): 5'-AAATACCAGAAAAAAATAATGATTACATGAACAAATGGGCAGGACTCTTAGGTCCAATTT[C>G]AAATCACAGTTTTGGAGGTAGCTTCAGAACAGCTTCAAATAAGGAAATCAAGCTCTCTGA-3'

ClinVar aggregate classification (germline): Pathogenic. Review status: criteria provided, multiple submitters, no conflicts (2 of 4 stars). 3 submissions from 3 submitters: Pathogenic (3). Last evaluated 2023-09-11.

Conditions:
Hereditary breast ovarian cancer syndrome. Also called: Hereditary breast and ovarian cancer syndrome (HBOC); BRCA1- and BRCA2-Associated Hereditary Breast and Ovarian Cancer; Hereditary breast and ovarian cancer syndrome; Breast and ovarian cancer; Hereditary breast and ovarian cancer; Hereditary breast and/or ovarian cancer syndrome. Identifiers: Orphanet 145, MedGen C0677776, MeSH D061325, MONDO:0003582. Disease mechanism: loss of function.
Hereditary cancer-predisposing syndrome. Also called: Hereditary neoplastic syndrome; Neoplastic Syndromes, Hereditary; Tumor predisposition; Hereditary Cancer Syndrome. Identifiers: Orphanet 140162, MedGen C0027672, MeSH D009386, MONDO:0015356.

Submissions (3):

Labcorp Genetics (formerly Invitae), Labcorp
Classification: Pathogenic for Hereditary breast ovarian cancer syndrome. Last evaluated: 2023-09-11. Review status: criteria provided, single submitter. Criteria: Invitae Variant Classification Sherloc (09022015). Collection method: clinical testing. Allele origin: germline.
Comment: ClinVar contains an entry for this variant (Variation ID: 531398). This premature translational stop signal has been observed in individual(s) with breast cancer (PMID: 25452441). This variant is not present in population databases (gnomAD no frequency). This sequence change creates a premature translational stop signal (p.Ser1001*) in the BRCA2 gene. It is expected to result in an absent or disrupted protein product. Loss-of-function variants in BRCA2 are known to be pathogenic (PMID: 20104584). For these reasons, this variant has been classified as Pathogenic.

Ambry Genetics
Classification: Pathogenic for Hereditary cancer-predisposing syndrome. Last evaluated: 2023-08-17. Review status: criteria provided, single submitter. Criteria: Ambry Variant Classification Scheme 2023. Collection method: clinical testing. Allele origin: germline.
Comment: The p.S1001* pathogenic mutation (also known as c.3002C>G), located in coding exon 10 of the BRCA2 gene, results from a C to G substitution at nucleotide position 3002. This changes the amino acid from a serine to a stop codon within coding exon 10. This variant is considered to be rare based on population cohorts in the Genome Aggregation Database (gnomAD). This alteration is expected to result in loss of function by premature protein truncation or nonsense-mediated mRNA decay. As such, this alteration is interpreted as a disease-causing mutation.

GeneDx
Classification: Pathogenic. Last evaluated: 2022-06-13. Review status: criteria provided, single submitter. Criteria: GeneDx Variant Classification Process June 2021. Collection method: clinical testing. Allele origin: germline. Affected: yes.
Comment: Nonsense variant predicted to result in protein truncation or nonsense mediated decay in a gene for which loss of function is a known mechanism of disease; Truncating variants in this gene are considered pathogenic by a well-established clinical consortium and/or database; Not observed at significant frequency in large population cohorts (gnomAD); Observed in an individual with a personal history consistent with pathogenic variants in this gene (Couch 2015); Also known as 3230C>G; This variant is associated with the following publications: (PMID: 25452441)

Literature cited by the submitters: PubMed 25452441 (cited by Labcorp Genetics (formerly Invitae), Labcorp); PubMed 20104584 (cited by Labcorp Genetics (formerly Invitae), Labcorp).